The following is an entry in ClinVar:

NM_001320.7(CSNK2B):c.*3C>G

Gene: CSNK2B (casein kinase 2 beta; plus strand). Cytogenetic location: 6p21.33.
Variant type: single nucleotide variant.
Coding change: c.*3C>G on transcript NM_001320.7 (MANE Select); 3 bases downstream of the stop codon, C replaced by G.
Molecular consequence: 3 prime UTR variant.
Genome position (GRCh38, 1-based): chr6:31,669,929, C>G. VCF-style: chr6-31669929-C-G. GRCh37 (hg19) VCF-style: chr6-31637706-C-G.
Other names: c.*3C>G (NM_001282385.2, NM_001320.6).
Identifiers: ClinVar variation 4974130 (VCV004974130.2).

ClinVar aggregate classification (germline): Benign/Likely benign. Review status: criteria provided, multiple submitters, no conflicts (2 of 4 stars). 2 submissions from 2 submitters: Benign (1); Likely benign (1). Last evaluated 2024-11-04.

Conditions:
CSNK2B-related disorder. Also called: CSNK2B-related condition.

gnomAD v4.1: 651 of 1,611,592 alleles (0.04%); highest among the groups gnomAD compares: South Asian, 0.55%; 9 homozygotes.

Submissions (2):

PreventionGenetics, part of Exact Sciences
Classification: Benign for CSNK2B-related condition. Last evaluated: 2024-11-04. Review status: criteria provided, single submitter. Criteria: ACMG Guidelines, 2015. Collection method: clinical testing. Allele origin: germline.
Comment: This variant is classified as benign based on ACMG/AMP sequence variant interpretation guidelines (Richards et al. 2015 PMID: 25741868, with internal and published modifications).

Blueprint Genetics
Classification: Likely benign. Last evaluated: 2024-10-29. Review status: criteria provided, single submitter. Criteria: ACMG Guidelines, 2015. Collection method: clinical testing. Allele origin: germline.